The following is an entry in ClinVar:

ClinVar aggregate classification (germline): Likely benign. Review status: criteria provided, multiple submitters, no conflicts (2 of 4 stars). 2 submissions from 2 submitters: Likely benign (2). Last evaluated 2021-10-27.

Allele frequency attached by ClinVar (database versions not stated): 1000 Genomes Project 0.00659; 1000 Genomes Project 30x 0.00718; TOPMed 0.00963; gnomAD 0.01089 and 0.01128.
gnomAD v4.1: 4,791 of 388,766 alleles (1.2%); highest among the groups gnomAD compares: Non-Finnish European, 1.6%; 43 homozygotes.

Submissions (2):

GeneDx
Classification: Likely benign. Last evaluated: 2021-10-27. Review status: criteria provided, single submitter. Criteria: GeneDx Variant Classification Process June 2021. Collection method: clinical testing. Allele origin: germline. Affected: yes.
Comment: See Variant Classification Assertion Criteria.

Breakthrough Genomics
Classification: Likely benign. Review status: criteria provided, single submitter. Criteria: ACMG Guidelines, 2015. Collection method: not provided. Allele origin: germline. Inheritance: Autosomal recessive inheritance. Affected: yes.

NM_001191061.2(SLC25A22):c.-201G>T

Genes: PANO1 (proapoptotic nucleolar protein 1; plus strand), SLC25A22 (solute carrier family 25 member 22; minus strand). Cytogenetic location: 11p15.5.
Variant type: single nucleotide variant.
Coding change: c.-201G>T on transcript NM_001191061.2 (MANE Select); 201 bases upstream of the start codon, G replaced by T.
Molecular consequence: 5 prime UTR variant.
Genome position (GRCh38, 1-based): chr11:798,254, C>A on the plus strand (G>T on the coding strand, the complement: SLC25A22 is on the minus strand). VCF-style: chr11-798254-C-A. GRCh37 (hg19) VCF-style: chr11-798254-C-A.
Identifiers: ClinVar variation 1683800 (VCV001683800.3), dbSNP rs191701026, ClinGen allele CA216949751.